The following is an entry in ClinVar:

NM_024642.5(GALNT12):c.634C>G (p.Arg212Gly)

Gene: GALNT12 (polypeptide N-acetylgalactosaminyltransferase 12; plus strand). Cytogenetic location: 9q22.33.
Variant type: single nucleotide variant.
Coding change: c.634C>G on transcript NM_024642.5 (MANE Select); coding-DNA position 634, C replaced by G.
Protein change: p.Arg212Gly; replaces arginine 212 with glycine.
Molecular consequence: missense variant.
Genome position (GRCh38, 1-based): chr9:98,826,844, C>G. VCF-style: chr9-98826844-C-G. GRCh37 (hg19) VCF-style: chr9-101589126-C-G.
Other names: short protein forms R212G.
Identifiers: ClinVar variation 4261513 (VCV004261513.1).
Genomic context (GRCh38, chr9:98,826,844, plus strand): 5'-TCGGGACTGCCCAAGGTGCGCCTGATCCGCGCCAACAAGAGAGAGGGCCTGGTGCGAGCC[C>G]GGCTGCTGGGGGCGTCTGCGGCGAGGGGCGATGTTCTGACCTTCCTGGACTGTCACTGTG-3'
Protein context (NP_078918.3, residues 202-222): ANKREGLVRA[Arg212Gly]LLGASAARGD

ClinVar aggregate classification (germline): Uncertain significance (1 of 4 stars; one submission).

gnomAD v4.1: 1 of 1,609,720 alleles (0.000062%); highest among the groups gnomAD compares: South Asian, 0.0011%; no homozygotes.

Submission:

Ambry Genetics
Classification: Uncertain significance. Last evaluated: 2025-09-06. Review status: criteria provided, single submitter. Criteria: Ambry Variant Classification Scheme 2023. Collection method: clinical testing. Allele origin: germline.
Comment: The p.R212G variant (also known as c.634C>G), located in coding exon 3 of the GALNT12 gene, results from a C to G substitution at nucleotide position 634. The arginine at codon 212 is replaced by glycine, an amino acid with dissimilar properties. This amino acid position is conserved. In addition, this alteration is predicted to be deleterious by in silico analysis. Based on the available evidence, the clinical significance of this variant remains unclear.